The following is an entry in ClinVar:

ClinVar aggregate classification (germline): Uncertain significance (1 of 4 stars; one submission).

gnomAD v4.1: 1 of 1,614,014 alleles (0.000062%); highest among the groups gnomAD compares: South Asian, 0.0011%; no homozygotes.

Submission:

GeneDx
Classification: Uncertain significance. Last evaluated: 2024-08-06. Review status: criteria provided, single submitter. Criteria: GeneDx Variant Classification Process June 2021. Collection method: clinical testing. Allele origin: germline. Affected: yes.
Comment: Not observed at significant frequency in large population cohorts (gnomAD); In silico analysis indicates that this missense variant does not alter protein structure/function; Has not been previously published as pathogenic or benign to our knowledge

NM_001394998.1(TANC2):c.5455C>G (p.Leu1819Val)

Gene: TANC2 (tetratricopeptide repeat, ankyrin repeat and coiled-coil containing 2; plus strand). Cytogenetic location: 17q23.3.
Variant type: single nucleotide variant.
Coding change: c.5455C>G on transcript NM_001394998.1 (MANE Select); coding-DNA position 5455, C replaced by G.
Protein change: p.Leu1819Val; replaces leucine 1819 with valine.
Molecular consequence: missense variant.
Genome position (GRCh38, 1-based): chr17:63,421,185, C>G. VCF-style: chr17-63421185-C-G. GRCh37 (hg19) VCF-style: chr17-61498546-C-G.
Other names: c.5233C>G, p.Leu1745Val (NM_001411076.1); c.5203C>G, p.Leu1735Val (NM_025185.4); short protein forms L1735V, L1745V, L1819V.
Identifiers: ClinVar variation 3602817 (VCV003602817.1).